The following is an entry in ClinVar:

NM_001367721.1(CASK):c.2678_2679del (p.Thr893fs)

Genes: CASK (calcium/calmodulin dependent serine protein kinase; minus strand), CASK-AS1 (CASK antisense RNA 1; plus strand). Cytogenetic location: Xp11.4.
Variant type: Microsatellite.
Coding change: c.2678_2679del on transcript NM_001367721.1 (MANE Select); coding-DNA positions 2678 to 2679, 2 bases deleted (CA; older notation c.2678_2679delCA).
Protein change: p.Thr893fs; shifts the reading frame from threonine 893.
Molecular consequence: frameshift variant.
Genome position (GRCh38, 1-based): chrX:41,520,522-41,520,523, TG deleted on the plus strand (CA on the coding strand, the reverse complement: CASK is on the minus strand); deleting any 2 consecutive bases within chrX:41,520,522-41,520,525 gives the same sequence; the c. name uses the placement nearest the transcript's 3' end. VCF-style (leftmost placement, unchanged base first): chrX-41520521-TTG-T. GRCh37 (hg19) VCF-style: chrX-41379774-TTG-T.
Other names: c.2594_2595del, p.Thr865fs (NM_001126054.3); c.2591_2592del, p.Thr864fs (NM_001126055.3); c.2660_2661del, p.Thr887fs (NM_001410745.1); c.2663_2664del, p.Thr888fs (NM_003688.4); short protein forms T864fs, T865fs, T887fs, T888fs, T893fs.
Identifiers: ClinVar variation 2502362 (VCV002502362.3), dbSNP rs2519652117, ClinGen allele CA2580617003.

ClinVar aggregate classification (germline): Likely pathogenic (1 of 4 stars; one submission).

Conditions:
Syndromic X-linked intellectual disability Najm type (MICPCH). Also called: Mental retardation and microcephaly with pontine and cerebellar hypoplasia; MENTAL RETARDATION, X-LINKED, SYNDROMIC, NAJM TYPE; Intellectual Disability and Microcephaly with Pontine and Cerebellar Hypoplasia (MICPCH); Intellectual Disability and Microcephaly with Pontine and Cerebellar Hypoplasia; MICPCH SYNDROME; Intellectual developmental disorder and microcephaly with pontine and cerebellar hypoplasia. Identifiers: Orphanet 163937, MedGen C2677903, MONDO:0010417, OMIM 300749.

Submission:

Institute of Human Genetics, University of Leipzig Medical Center
Classification: Likely pathogenic for Syndromic X-linked intellectual disability Najm type. Last evaluated: 2023-04-12. Review status: criteria provided, single submitter. Criteria: ACMG Guidelines, 2015. Collection method: clinical testing. Allele origin: de novo. Inheritance: X-linked dominant inheritance. Affected: yes.
Comment: Criteria applied: PVS1,PS2_MOD,PM2_SUP